The following is an entry in ClinVar:

ClinVar aggregate classification (germline): Pathogenic (1 of 4 stars; one submission).

Submission:

Labcorp Genetics (formerly Invitae), Labcorp
Classification: Pathogenic. Last evaluated: 2020-11-01. Review status: criteria provided, single submitter. Criteria: Invitae Variant Classification Sherloc (09022015). Collection method: clinical testing. Allele origin: germline.
Comment: For these reasons, this variant has been classified as Pathogenic. This variant has not been reported in the literature in individuals with COL7A1-related conditions. This variant is not present in population databases (ExAC no frequency). This sequence change creates a premature translational stop signal (p.Glu1744Lysfs*97) in the COL7A1 gene. It is expected to result in an absent or disrupted protein product. Loss-of-function variants in COL7A1 are known to be pathogenic (PMID: 16971478).

Literature cited by the submitters: PubMed 16971478.

NM_000094.4(COL7A1):c.5230del (p.Glu1744fs)

Gene: COL7A1 (collagen type VII alpha 1 chain; minus strand). Cytogenetic location: 3p21.31.
Variant type: Deletion.
Coding change: c.5230del on transcript NM_000094.4 (MANE Select); coding-DNA position 5230, one base deleted (G; older notation c.5230delG).
Protein change: p.Glu1744fs; shifts the reading frame from glutamic acid 1744.
Molecular consequence: frameshift variant.
Genome position (GRCh38, 1-based): chr3:48,579,593, C deleted on the plus strand (G on the coding strand, the reverse complement: COL7A1 is on the minus strand); the first of 4 consecutive C bases (chr3:48,579,593-48,579,596); deleting any one gives the same sequence. VCF-style (leftmost placement, unchanged base first): chr3-48579592-TC-T. GRCh37 (hg19) VCF-style: chr3-48617025-TC-T.
Other names: short protein forms E1744fs.
Identifiers: ClinVar variation 1433119 (VCV001433119.6), dbSNP rs2107699672, ClinGen allele CA2573137025.